The following is an entry in ClinVar:

ClinVar aggregate classification (germline): Uncertain significance (1 of 4 stars; one submission).

Submission:

Labcorp Genetics (formerly Invitae), Labcorp
Classification: Uncertain significance. Last evaluated: 2021-06-01. Review status: criteria provided, single submitter. Criteria: Invitae Variant Classification Sherloc (09022015). Collection method: clinical testing. Allele origin: germline.
Comment: In summary, the available evidence is currently insufficient to determine the role of this variant in disease. Therefore, it has been classified as a Variant of Uncertain Significance. Algorithms developed to predict the effect of missense changes on protein structure and function output the following: SIFT: "Tolerated"; PolyPhen-2: "Benign"; Align-GVGD: "Class C0". The leucine amino acid residue is found in multiple mammalian species, suggesting that this missense change does not adversely affect protein function. These predictions have not been confirmed by published functional studies and their clinical significance is uncertain. This variant has not been reported in the literature in individuals with MSH3-related conditions. This variant is not present in population databases (ExAC no frequency). This sequence change replaces valine with leucine at codon 858 of the MSH3 protein (p.Val858Leu). The valine residue is weakly conserved and there is a small physicochemical difference between valine and leucine.

NM_002439.5(MSH3):c.2572G>T (p.Val858Leu)

Gene: MSH3 (mutS homolog 3; plus strand). Cytogenetic location: 5q14.1.
Variant type: single nucleotide variant.
Coding change: c.2572G>T on transcript NM_002439.5 (MANE Select); coding-DNA position 2572, G replaced by T.
Protein change: p.Val858Leu; replaces valine 858 with leucine.
Molecular consequence: missense variant.
Genome position (GRCh38, 1-based): chr5:80,792,761, G>T. VCF-style: chr5-80792761-G-T. GRCh37 (hg19) VCF-style: chr5-80088580-G-T.
Other names: short protein forms V858L.
Identifiers: ClinVar variation 1467092 (VCV001467092.8), dbSNP rs1580053702, ClinGen allele CA360272888.